The following is an entry in ClinVar:

ClinVar aggregate classification (germline): Likely benign. Review status: reviewed by expert panel (3 of 4 stars). 11 submissions from 11 submitters: Likely benign (1). 10 of the submissions do not count toward it. Last evaluated 2017-06-29.

Conditions:
Hereditary cancer-predisposing syndrome. Also called: Tumor predisposition; Hereditary Cancer Syndrome; Hereditary neoplastic syndrome; Neoplastic Syndromes, Hereditary. Identifiers: Orphanet 140162, MedGen C0027672, MeSH D009386, MONDO:0015356.
Hereditary breast ovarian cancer syndrome. Also called: Breast and ovarian cancer; Hereditary breast and ovarian cancer syndrome; Hereditary breast and ovarian cancer; BRCA1- and BRCA2-Associated Hereditary Breast and Ovarian Cancer; Hereditary breast and ovarian cancer syndrome (HBOC); Hereditary breast and/or ovarian cancer syndrome. Identifiers: Orphanet 145, MedGen C0677776, MeSH D061325, MONDO:0003582. Disease mechanism: loss of function.
Breast-ovarian cancer, familial, susceptibility to, 2 (BROVCA2). Also called: BRCA2 Hereditary Breast and Ovarian Cancer. Identifiers: Orphanet 145, MedGen C2675520, MONDO:0012933, OMIM 612555. Disease mechanism: loss of function.

Allele frequency attached by ClinVar (database versions not stated): TOPMed 0.00001.
gnomAD v4.1: 70 of 1,590,474 alleles (0.0044%); highest among the groups gnomAD compares: Non-Finnish European, 0.0058%; no homozygotes.

Submissions (11):

Evidence-based Network for the Interpretation of Germline Mutant Alleles (ENIGMA)
Classification: Likely benign for Breast-ovarian cancer, familial, susceptibility to, 2. Last evaluated: 2017-06-29. Review status: reviewed by expert panel. Criteria: ENIGMA BRCA1/2 Classification Criteria (2017-06-29). Collection method: curation. Allele origin: germline.
Comment: Synonymous substitution variant, with low bioinformatic likelihood to result in a splicing aberration (Splicing prior probability 0.02).

Labcorp Genetics (formerly Invitae), Labcorp
Classification: Benign for Hereditary breast ovarian cancer syndrome. Last evaluated: 2026-01-09. Review status: criteria provided, single submitter. Criteria: Invitae Variant Classification Sherloc (09022015). Collection method: clinical testing. Allele origin: germline. Not counted in ClinVar's aggregate classification.

Institute for Biomarker Research, Medical Diagnostic Laboratories, L.L.C.
Classification: Likely benign for Hereditary breast ovarian cancer syndrome. Last evaluated: 2024-03-14. Review status: criteria provided, single submitter. Criteria: ACMG Guidelines, 2015. Collection method: clinical testing. Allele origin: germline. Not counted in ClinVar's aggregate classification.

All of Us Research Program, National Institutes of Health
Classification: Benign for Breast-ovarian cancer, familial, susceptibility to, 2. Last evaluated: 2024-01-11. Review status: criteria provided, single submitter. Criteria: ACMG Guidelines, 2015. Collection method: clinical testing. Allele origin: germline. Inheritance: Autosomal dominant inheritance. Observed: 9 variant alleles, 9 heterozygotes. Not counted in ClinVar's aggregate classification.
Comment: This study involves interpretation of variants in research participants for the purpose of population health screening. Participant phenotype was not available at the time of variant classification. Additional details can be found in publication PMID: 35346344, PMCID: PMC8962531

Quest Diagnostics Nichols Institute San Juan Capistrano
Classification: Benign. Last evaluated: 2022-12-15. Review status: criteria provided, single submitter. Criteria: Quest Diagnostics criteria. Collection method: clinical testing. Allele origin: unknown. Not counted in ClinVar's aggregate classification.

Sema4
Classification: Likely benign for Hereditary cancer-predisposing syndrome. Last evaluated: 2021-09-20. Review status: criteria provided, single submitter. Criteria: Sema4 Curation Guidelines. Collection method: curation. Allele origin: germline. Not counted in ClinVar's aggregate classification.

Women's Health and Genetics/Laboratory Corporation of America, LabCorp
Classification: Likely benign. Last evaluated: 2017-08-21. Review status: criteria provided, single submitter. Criteria: LabCorp Variant Classification Summary - May 2015. Collection method: clinical testing. Allele origin: germline. Not counted in ClinVar's aggregate classification.
Comment: Variant summary: The BRCA2 c.627C>A (p.Leu209Leu) variant involves the alteration of a non-conserved nucleotide, resulting in a synonymous change. One in silico tool (Mutationtaster) predicts a damaging outcome for this variant, while 5/5 splice prediction tools via Alamut predict no significant impact on splice donor and acceptor sites, which was confirmed by an in vitro (minigene) study (Giacomo_2013). The authors noted that the variant was obtained by PCR amplification from patients genomic DNA, however, no clinical information about the patients, or information about co-segregation and co-occurrence was provided, so from this occurrence we can infer no evidence for pathogenicity. ESE finder predicts that this variant may affect multiple ESE sites; however, these predictions have yet to be confirmed by functional studies. This variant was found in 4/121164 control chromosomes, exclusively occurring in the Non-Finnish subcohort of the ExAC project (in 4/66622 control chromosomes) at an allele frequency of 0.006% which does not exceed the maximal expected allele frequency of a disease causing BRCA2 allele (0.075%). Additionally, 2 co-occurrences with possibly pathogenic BRCA2 variants listed in the UMD database (c.9609C>G (p.Tyr3203X) and c.4398_4402delACATT (p.Leu1466PhefsX2)) further support the variant to be benign. In addition, multiple clinical diagnostic laboratories/reputable databases classified this variant as benign/likely benign. Taken together, this variant is classified as likely benign.

Color Diagnostics, LLC DBA Color Health
Classification: Benign for Hereditary cancer-predisposing syndrome. Last evaluated: 2016-02-24. Review status: criteria provided, single submitter. Criteria: ACMG Guidelines, 2015. Collection method: clinical testing. Allele origin: germline. Not counted in ClinVar's aggregate classification.

Ambry Genetics
Classification: Likely benign for Hereditary cancer-predisposing syndrome. Last evaluated: 2015-10-09. Review status: criteria provided, single submitter. Criteria: Ambry Variant Classification Scheme 2023. Collection method: clinical testing. Allele origin: germline. Not counted in ClinVar's aggregate classification.

GeneDx
Classification: Benign. Last evaluated: 2015-09-18. Review status: criteria provided, single submitter. Criteria: GeneDx Variant Classification Process June 2021. Collection method: clinical testing. Allele origin: germline. Affected: yes. Not counted in ClinVar's aggregate classification.
Comment: This variant is associated with the following publications: (PMID: 23983145)

Cancer Genetics and Genomics Laboratory, British Columbia Cancer Agency
Classification: Uncertain significance for Hereditary breast ovarian cancer syndrome. Last evaluated: 2016-04-14. Review status: no assertion criteria provided. Collection method: clinical testing. Allele origin: germline. Study: The Canadian Open Genetics Repository (COGR). Not counted in ClinVar's aggregate classification.

Literature cited by the submitters: PubMed 23983145 (cited by Quest Diagnostics Nichols Institute San Juan Capistrano and Women's Health and Genetics/Laboratory Corporation of America, LabCorp); PubMed 26761715 (cited by Quest Diagnostics Nichols Institute San Juan Capistrano and Women's Health and Genetics/Laboratory Corporation of America, LabCorp).

NM_000059.4(BRCA2):c.627C>A (p.Leu209=)

Gene: BRCA2 (BRCA2 DNA repair associated; plus strand). Cytogenetic location: 13q13.1.
Variant type: single nucleotide variant.
Coding change: c.627C>A on transcript NM_000059.4 (MANE Select); coding-DNA position 627, C replaced by A.
Protein change: p.Leu209=; no amino-acid change (leucine 209 retained).
Molecular consequence: synonymous variant.
Genome position (GRCh38, 1-based): chr13:32,326,609, C>A. VCF-style: chr13-32326609-C-A. GRCh37 (hg19) VCF-style: chr13-32900746-C-A.
Identifiers: ClinVar variation 185119 (VCV000185119.25), dbSNP rs28897704, ClinGen allele CA023813.